The following is an entry in ClinVar:

NM_022173.4(TIA1):c.362A>G (p.Asp121Gly)

Gene: TIA1 (TIA1 cytotoxic granule associated RNA binding protein; minus strand). Cytogenetic location: 2p13.3.
Variant type: single nucleotide variant.
Coding change: c.362A>G on transcript NM_022173.4 (MANE Select); coding-DNA position 362, A replaced by G.
Protein change: p.Asp121Gly; replaces aspartic acid 121 with glycine.
Molecular consequence: missense variant. On other transcripts: 5 prime UTR variant (3), non-coding transcript variant (17).
Genome position (GRCh38, 1-based): chr2:70,227,771, T>C on the plus strand (A>G on the coding strand, the complement: TIA1 is on the minus strand). VCF-style: chr2-70227771-T-C. GRCh37 (hg19) VCF-style: chr2-70454903-T-C.
Other names: c.362A>G, p.Asp121Gly (NM_001351508.2, NM_001351516.2, NM_001351518.2 and 2 more transcripts); c.335A>G, p.Asp112Gly (NM_001351509.2); c.329A>G, p.Asp110Gly (NM_001351510.2, NM_001351521.2, NM_022037.4); c.251A>G, p.Asp84Gly (NM_001351511.1); c.224A>G, p.Asp75Gly (NM_001351512.1); c.218A>G, p.Asp73Gly (NM_001351513.1); c.134A>G, p.Asp45Gly (NM_001351514.2, NM_001351523.2); c.59A>G, p.Asp20Gly (NM_001351515.2); and 5 more; short protein forms D110G, D121G, D45G, I163V, D75G, D20G, D84G, D112G.
Identifiers: ClinVar variation 2076885 (VCV002076885.5), dbSNP rs1206770691, ClinGen allele CA347156219.
Genomic context (GRCh38, chr2:70,227,771, plus strand): 5'-TTTTATTTATCTTCTGTTACTTACGATATTCTTCCAAATGGTGCAAAAGCAGCTTTTATA[T>C]CTTCAGTTGTAATTTCTGGGCTGAGATCACCAACAAAGACATGGAAATGATCTTATAAGG-3'
Protein context (NP_071505.2, residues 111-131): GDLSPEITTE[Asp121Gly]IKAAFAPFGR

ClinVar aggregate classification (germline): Uncertain significance. Review status: criteria provided, multiple submitters, no conflicts (2 of 4 stars). 2 submissions from 2 submitters: Uncertain significance (2). Last evaluated 2025-11-17.

Conditions:
Inborn genetic diseases. Identifiers: MedGen C0950123, MeSH D030342.
Welander distal myopathy (WDM). Also called: Gower's muscular dystrophy; MUSCULAR DYSTROPHY, DISTAL, LATE-ONSET, AUTOSOMAL DOMINANT; Welander distal myopathy, Swedish type; Distal myopathy, Swedish type. Identifiers: Orphanet 603, MedGen C0221054, MONDO:0011466, OMIM 604454.

Allele frequency attached by ClinVar (database versions not stated): gnomAD 0.00001; TOPMed 0.00001.
gnomAD v4.1: 9 of 1,595,556 alleles (0.00056%); highest among the groups gnomAD compares: Non-Finnish European, 0.00068%; no homozygotes.

Submissions (2):

Labcorp Genetics (formerly Invitae), Labcorp
Classification: Uncertain significance for Welander distal myopathy. Last evaluated: 2025-11-17. Review status: criteria provided, single submitter. Criteria: Invitae Variant Classification Sherloc (09022015). Collection method: clinical testing. Allele origin: germline.
Comment: This sequence change replaces aspartic acid, which is acidic and polar, with glycine, which is neutral and non-polar, at codon 121 of the TIA1 protein (p.Asp121Gly). This variant is present in population databases (no rsID available, gnomAD 0.007%). This variant has not been reported in the literature in individuals affected with TIA1-related conditions. ClinVar contains an entry for this variant (Variation ID: 2076885). Invitae Evidence Modeling of protein sequence and biophysical properties (such as structural, functional, and spatial information, amino acid conservation, physicochemical variation, residue mobility, and thermodynamic stability) indicates that this missense variant is not expected to disrupt TIA1 protein function with a negative predictive value of 80%. In summary, the available evidence is currently insufficient to determine the role of this variant in disease. Therefore, it has been classified as a Variant of Uncertain Significance.

Ambry Genetics
Classification: Uncertain significance for Inborn genetic diseases. Last evaluated: 2024-08-05. Review status: criteria provided, single submitter. Criteria: Ambry Variant Classification Scheme 2023. Collection method: clinical testing. Allele origin: germline.